The following is an entry in ClinVar:

NM_015189.3(EXOC6B):c.328C>T (p.Leu110=)

Gene: EXOC6B (exocyst complex component 6B; minus strand). Cytogenetic location: 2p13.2.
Variant type: single nucleotide variant.
Coding change: c.328C>T on transcript NM_015189.3 (MANE Select); coding-DNA position 328, C replaced by T.
Protein change: p.Leu110=; no amino-acid change (leucine 110 retained).
Molecular consequence: synonymous variant. On other transcripts: 5 prime UTR variant (1), non-coding transcript variant (2).
Genome position (GRCh38, 1-based): chr2:72,731,245, G>A on the plus strand (C>T on the coding strand, the complement: EXOC6B is on the minus strand). VCF-style: chr2-72731245-G-A. GRCh37 (hg19) VCF-style: chr2-72958374-G-A.
Other names: c.328C>T, p.Leu110= (NM_001321729.2, NM_001321730.2, NM_001321731.2 and 1 more transcripts); c.-12C>T (NM_001321734.2); c.328C>T (NM_015189.1).
Identifiers: ClinVar variation 1364978 (VCV001364978.7), dbSNP rs773011698, ClinGen allele CA1708768.
Genomic context (GRCh38, chr2:72,731,245, plus strand): 5'-TGGCAGAAATATTTCTCTGTTGTAGTCGACACTGCTTCAGCTCTTCCATTGCTATTACCA[G>A]CTTGGCAAGAGGGAAAAAGACTGAATTATGCCTATGGCTGTAAATAAAAAGCTTTCAGTC-3'
Protein context (NP_056004.1, residues 100-120): NRKLQHEGKE[Leu110=]VIAMEELKQC

ClinVar aggregate classification (germline): Conflicting classifications of pathogenicity. Review status: criteria provided, conflicting classifications (1 of 4 stars). 2 submissions from 2 submitters: Uncertain significance (1); Likely benign (1). Last evaluated 2023-12-21.

Allele frequency attached by ClinVar (database versions not stated): gnomAD 0.00001; TOPMed 0.00001; gnomAD exomes 0.00002 and 0.00004; ExAC 0.00005.

Submissions (2):

Ambry Genetics
Classification: Likely benign. Last evaluated: 2023-12-21. Review status: criteria provided, single submitter. Criteria: Ambry Variant Classification Scheme 2023. Collection method: clinical testing. Allele origin: germline.

Labcorp Genetics (formerly Invitae), Labcorp
Classification: Uncertain significance. Last evaluated: 2023-11-20. Review status: criteria provided, single submitter. Criteria: Invitae Variant Classification Sherloc (09022015). Collection method: clinical testing. Allele origin: germline.
Comment: This sequence change affects codon 110 of the EXOC6B mRNA. It is a 'silent' change, meaning that it does not change the encoded amino acid sequence of the EXOC6B protein. It affects a nucleotide within the consensus splice site. This variant is present in population databases (rs773011698, gnomAD 0.03%). This variant has not been reported in the literature in individuals affected with EXOC6B-related conditions. ClinVar contains an entry for this variant (Variation ID: 1364978). Algorithms developed to predict the effect of sequence changes on RNA splicing suggest that this variant is not likely to affect RNA splicing. In summary, the available evidence is currently insufficient to determine the role of this variant in disease. Therefore, it has been classified as a Variant of Uncertain Significance.